The following is an entry in ClinVar:

NM_024105.4(ALG12):c.242C>T (p.Ala81Val)

Gene: ALG12 (ALG12 alpha-1,6-mannosyltransferase; minus strand). Cytogenetic location: 22q13.33.
Variant type: single nucleotide variant.
Coding change: c.242C>T on transcript NM_024105.4 (MANE Select); coding-DNA position 242, C replaced by T.
Protein change: p.Ala81Val; replaces alanine 81 with valine.
Molecular consequence: missense variant.
Genome position (GRCh38, 1-based): chr22:49,913,438, G>A on the plus strand (C>T on the coding strand, the complement: ALG12 is on the minus strand). VCF-style: chr22-49913438-G-A. GRCh37 (hg19) VCF-style: chr22-50307086-G-A.
Other names: short protein forms A81V.
Identifiers: ClinVar variation 1028293 (VCV001028293.7), dbSNP rs142586266, ClinGen allele CA10300688.
Genomic context (GRCh38, chr22:49,913,438, plus strand): 5'-CCCTTACCTATTAGCTGAGAGTAAAACTTGGACATTTCTAACAGCGAAAGCACGTAAACC[G>A]CGGGGCTGGAGAACACTGCGATCACCACTGGCCCGAGGAACGTCCTGGGGACGACTCCGG-3'
Protein context (NP_077010.1, residues 71-91): PVVIAVFSSP[Ala81Val]VYVLSLLEMS

ClinVar aggregate classification (germline): Conflicting classifications of pathogenicity. Review status: criteria provided, conflicting classifications (1 of 4 stars). 6 submissions from 6 submitters: Uncertain significance (4); Likely benign (2). Last evaluated 2025-04-12.

Conditions:
ALG12-congenital disorder of glycosylation (CDG1G). Also called: ALG12-CDG; Congenital disorder of glycosylation, type Ig; CDG Ig. Identifiers: Orphanet 79324, MedGen C2931001, MONDO:0011783, OMIM 607143.
Inborn genetic diseases. Identifiers: MedGen C0950123, MeSH D030342.

Allele frequency attached by ClinVar (database versions not stated): gnomAD exomes 0.00008 and 0.00017; ExAC 0.00024; gnomAD 0.00036 and 0.00041; ESP Exome Variant Server 0.00046; TOPMed 0.00046.
gnomAD v4.1: 174 of 1,613,976 alleles (0.011%); highest among the groups gnomAD compares: Middle Eastern, 0.25%; no homozygotes.

Submissions (6):

GeneDx
Classification: Uncertain significance. Last evaluated: 2025-04-12. Review status: criteria provided, single submitter. Criteria: GeneDx Variant Classification Process June 2021. Collection method: clinical testing. Allele origin: germline. Affected: yes.
Comment: In silico analysis indicates that this missense variant does not alter protein structure/function; Has not been previously published as pathogenic or benign to our knowledge

Blueprint Genetics
Classification: Likely benign. Last evaluated: 2024-09-27. Review status: criteria provided, single submitter. Criteria: ACMG Guidelines, 2015. Collection method: clinical testing. Allele origin: germline.

Ambry Genetics
Classification: Likely benign for Inborn genetic diseases. Last evaluated: 2022-11-19. Review status: criteria provided, single submitter. Criteria: Ambry Variant Classification Scheme 2023. Collection method: clinical testing. Allele origin: germline.

Labcorp Genetics (formerly Invitae), Labcorp
Classification: Uncertain significance for ALG12-congenital disorder of glycosylation. Last evaluated: 2022-07-30. Review status: criteria provided, single submitter. Criteria: Invitae Variant Classification Sherloc (09022015). Collection method: clinical testing. Allele origin: germline.
Comment: This sequence change replaces alanine, which is neutral and non-polar, with valine, which is neutral and non-polar, at codon 81 of the ALG12 protein (p.Ala81Val). This variant is present in population databases (rs142586266, gnomAD 0.1%). This variant has not been reported in the literature in individuals affected with ALG12-related conditions. ClinVar contains an entry for this variant (Variation ID: 1028293). Algorithms developed to predict the effect of missense changes on protein structure and function output the following: SIFT: "Tolerated"; PolyPhen-2: "Benign"; Align-GVGD: "Class C0". The valine amino acid residue is found in multiple mammalian species, which suggests that this missense change does not adversely affect protein function. In summary, the available evidence is currently insufficient to determine the role of this variant in disease. Therefore, it has been classified as a Variant of Uncertain Significance.

Baylor Genetics
Classification: Uncertain significance for ALG12-congenital disorder of glycosylation. Last evaluated: 2019-12-16. Review status: criteria provided, single submitter. Criteria: ACMG Guidelines, 2015. Collection method: clinical testing. Allele origin: unknown. Affected: yes.
Comment: This variant was determined to be of uncertain significance according to ACMG Guidelines, 2015 [PMID:25741868].

Breakthrough Genomics
Classification: Uncertain significance. Review status: criteria provided, single submitter. Criteria: ACMG Guidelines, 2015. Collection method: not provided. Allele origin: germline. Inheritance: Autosomal dominant inheritance. Affected: yes.